The following is an entry in ClinVar:

NM_003070.5(SMARCA2):c.3448C>T (p.Pro1150Ser)

Gene: SMARCA2 (SWI/SNF related BAF chromatin remodeling complex subunit ATPase 2; plus strand). Cytogenetic location: 9p24.3.
Variant type: single nucleotide variant.
Coding change: c.3448C>T on transcript NM_003070.5 (MANE Select); coding-DNA position 3448, C replaced by T.
Protein change: p.Pro1150Ser; replaces proline 1150 with serine.
Molecular consequence: missense variant.
Genome position (GRCh38, 1-based): chr9:2,110,409, C>T. VCF-style: chr9-2110409-C-T. GRCh37 (hg19) VCF-style: chr9-2110409-C-T.
Other names: c.3448C>T, p.Pro1150Ser (NM_001289396.2, NM_139045.4); c.3274C>T, p.Pro1092Ser (NM_001289397.2); short protein forms P1092S, P1150S.
Identifiers: ClinVar variation 1928140 (VCV001928140.5), dbSNP rs1822944896, ClinGen allele CA372788304.

ClinVar aggregate classification (germline): Uncertain significance (1 of 4 stars; one submission).

Submission:

Labcorp Genetics (formerly Invitae), Labcorp
Classification: Uncertain significance. Last evaluated: 2022-10-14. Review status: criteria provided, single submitter. Criteria: Invitae Variant Classification Sherloc (09022015). Collection method: clinical testing. Allele origin: germline.
Comment: This variant has not been reported in the literature in individuals affected with SMARCA2-related conditions. This variant is not present in population databases (gnomAD no frequency). This sequence change replaces proline, which is neutral and non-polar, with serine, which is neutral and polar, at codon 1150 of the SMARCA2 protein (p.Pro1150Ser). In summary, the available evidence is currently insufficient to determine the role of this variant in disease. Therefore, it has been classified as a Variant of Uncertain Significance. Advanced modeling of protein sequence and biophysical properties (such as structural, functional, and spatial information, amino acid conservation, physicochemical variation, residue mobility, and thermodynamic stability) performed at Invitae indicates that this missense variant is expected to disrupt SMARCA2 protein function.